The following is an entry in ClinVar:

ClinVar aggregate classification (germline): Uncertain significance (1 of 4 stars; one submission).

Conditions:
Dilated cardiomyopathy 1W (CMD1W). Identifiers: Orphanet 154, MedGen C1969639, MONDO:0012667, OMIM 611407.

Submission:

Labcorp Genetics (formerly Invitae), Labcorp
Classification: Uncertain significance for Dilated cardiomyopathy 1W. Last evaluated: 2024-07-30. Review status: criteria provided, single submitter. Criteria: Invitae Variant Classification Sherloc (09022015). Collection method: clinical testing. Allele origin: germline.
Comment: This sequence change replaces tryptophan, which is neutral and slightly polar, with serine, which is neutral and polar, at codon 1126 of the VCL protein (p.Trp1126Ser). This variant is not present in population databases (gnomAD no frequency). This variant has not been reported in the literature in individuals affected with VCL-related conditions. An algorithm developed to predict the effect of missense changes on protein structure and function (PolyPhen-2) suggests that this variant is likely to be disruptive. In summary, the available evidence is currently insufficient to determine the role of this variant in disease. Therefore, it has been classified as a Variant of Uncertain Significance.

NM_014000.3(VCL):c.3377G>C (p.Trp1126Ser)

Gene: VCL (vinculin; plus strand). Cytogenetic location: 10q22.2.
Variant type: single nucleotide variant.
Coding change: c.3377G>C on transcript NM_014000.3 (MANE Select); coding-DNA position 3377, G replaced by C.
Protein change: p.Trp1126Ser; replaces tryptophan 1126 with serine.
Molecular consequence: missense variant.
Genome position (GRCh38, 1-based): chr10:74,118,141, G>C. VCF-style: chr10-74118141-G-C. GRCh37 (hg19) VCF-style: chr10-75877899-G-C.
Other names: c.3173G>C, p.Trp1058Ser (NM_003373.4); short protein forms W1058S, W1126S.
Identifiers: ClinVar variation 3660969 (VCV003660969.2).